The following is an entry in ClinVar:

ClinVar aggregate classification (germline): Uncertain significance. Review status: criteria provided, multiple submitters, no conflicts (2 of 4 stars). 2 submissions from 2 submitters: Uncertain significance (2). Last evaluated 2025-12-23.

Conditions:
CABP2-related disorder. Also called: CABP2-related condition.
Inborn genetic diseases. Identifiers: MedGen C0950123, MeSH D030342.

Allele frequency attached by ClinVar (database versions not stated): gnomAD 0.00001; TOPMed 0.00001.
gnomAD v4.1: 7 of 1,556,000 alleles (0.00045%); highest among the groups gnomAD compares: East Asian, 0.017%; no homozygotes.

Submissions (2):

PreventionGenetics, part of Exact Sciences
Classification: Uncertain significance for CABP2-related condition. Last evaluated: 2025-12-23. Review status: criteria provided, single submitter. Criteria: ACMG Guidelines, 2015. Collection method: clinical testing. Allele origin: germline.
Comment: The CABP2 c.185T>G variant is predicted to result in the amino acid substitution p.Leu62Arg. To our knowledge, this variant has not been reported in the literature. This variant is reported in 0.037% of alleles in individuals of East Asian descent in gnomAD. At this time, the clinical significance of this variant is uncertain due to the absence of conclusive functional and genetic evidence.

Ambry Genetics
Classification: Uncertain significance for Inborn genetic diseases. Last evaluated: 2023-12-04. Review status: criteria provided, single submitter. Criteria: Ambry Variant Classification Scheme 2023. Collection method: clinical testing. Allele origin: germline.

NM_016366.3(CABP2):c.185T>G (p.Leu62Arg)

Gene: CABP2 (calcium binding protein 2; minus strand). Cytogenetic location: 11q13.2.
Variant type: single nucleotide variant.
Coding change: c.185T>G on transcript NM_016366.3 (MANE Select); coding-DNA position 185, T replaced by G.
Protein change: p.Leu62Arg; replaces leucine 62 with arginine.
Molecular consequence: missense variant.
Genome position (GRCh38, 1-based): chr11:67,522,574, A>C on the plus strand (T>G on the coding strand, the complement: CABP2 is on the minus strand). VCF-style: chr11-67522574-A-C. GRCh37 (hg19) VCF-style: chr11-67290045-A-C.
Other names: c.199T>G, p.Cys67Gly (NM_001318496.2); short protein forms C67G, L62R.
Identifiers: ClinVar variation 3136246 (VCV003136246.2), dbSNP rs1177425693, ClinGen allele CA381517797.
Genomic context (GRCh38, chr11:67,522,574, plus strand): 5'-AGGCAGGCTGGCGGGCGGGTGGCCGTACATACGAGTTGGGTGGCGGCAATGCTGGGCCGC[A>C]GGAAGATGCAGGCAGGCCCCACCAGGCTGTTGAGCACCGAGTAGCCCTGGACGCCTGGCG-3'
Protein context (NP_057450.2, residues 52-72): NSLVGPACIF[Leu62Arg]RPSIAATQLD